The following is an entry in ClinVar:

ClinVar aggregate classification (germline): Uncertain significance (1 of 4 stars; one submission).

Conditions:
Juvenile polyposis syndrome (JPS). Identifiers: Orphanet 2929, MedGen C0345893, MONDO:0017380, OMIM 174900.

Allele frequency attached by ClinVar (database versions not stated): gnomAD exomes below 0.00001.
gnomAD v4.1: 1 of 1,614,068 alleles (0.000062%); highest among the groups gnomAD compares: Non-Finnish European, 0.000085%; no homozygotes.

Submission:

Labcorp Genetics (formerly Invitae), Labcorp
Classification: Uncertain significance for Juvenile polyposis syndrome. Last evaluated: 2019-07-29. Review status: criteria provided, single submitter. Criteria: Invitae Variant Classification Sherloc (09022015). Collection method: clinical testing. Allele origin: germline.
Comment: This sequence change replaces proline with arginine at codon 346 of the SMAD4 protein (p.Pro346Arg). The proline residue is highly conserved and there is a moderate physicochemical difference between proline and arginine. In summary, the available evidence is currently insufficient to determine the role of this variant in disease. Therefore, it has been classified as a Variant of Uncertain Significance. Algorithms developed to predict the effect of missense changes on protein structure and function are either unavailable or do not agree on the potential impact of this missense change (SIFT: "Tolerated"; PolyPhen-2: "Possibly Damaging"; Align-GVGD: "Class C25"). This variant has not been reported in the literature in individuals with SMAD4-related conditions. This variant is not present in population databases (ExAC no frequency).

NM_005359.6(SMAD4):c.1037C>G (p.Pro346Arg)

Gene: SMAD4 (SMAD family member 4; plus strand). Cytogenetic location: 18q21.2.
Variant type: single nucleotide variant.
Coding change: c.1037C>G on transcript NM_005359.6 (MANE Select); coding-DNA position 1037, C replaced by G.
Protein change: p.Pro346Arg; replaces proline 346 with arginine.
Molecular consequence: missense variant.
Genome position (GRCh38, 1-based): chr18:51,065,504, C>G. VCF-style: chr18-51065504-C-G. GRCh37 (hg19) VCF-style: chr18-48591874-C-G.
Other names: short protein forms P346R.
Identifiers: ClinVar variation 944217 (VCV000944217.9), dbSNP rs1910122147, ClinGen allele CA402464261.